The following is an entry in ClinVar:

NM_002113.3(CFHR1):c.563dup (p.Met189fs)

Gene: CFHR1 (complement factor H related 1; plus strand). Cytogenetic location: 1q31.3.
Variant type: Duplication.
Coding change: c.563dup on transcript NM_002113.3 (MANE Select); coding-DNA position 563, one base duplicated (T; older notation c.563dupT).
Protein change: p.Met189fs; shifts the reading frame from methionine 189.
Molecular consequence: frameshift variant.
Genome position (GRCh38, 1-based): chr1:196,828,202, T duplicated. VCF-style (leftmost placement, unchanged base first): chr1-196828201-G-GT. GRCh37 (hg19) VCF-style: chr1-196797331-G-GT.
Other names: c.512dup, p.Met172fs (NM_001379306.1); c.401dup, p.Met135fs (NM_001379307.1); c.398dup, p.Met134fs (NM_001379308.1); c.395dup, p.Met133fs (NM_001379309.1); c.368dup, p.Met124fs (NM_001379310.1); c.359dup, p.Met121fs (NM_001379311.1); c.320dup, p.Met108fs (NM_001379312.1); c.563dupT (NM_002113.3); short protein forms M108fs, M121fs, M124fs, M133fs, M134fs, M135fs, M172fs, M189fs.
Identifiers: ClinVar variation 4688629 (VCV004688629.1).
Genomic context (GRCh38, chr1:196,828,201, plus strand): 5'-TCTGGTGAGAGAGTACGTTATGAATGTAGGAGCCCTTATGAAATGTTTGGGGATGAAGAA[G>GT]TGATGTGTTTAAATGGAAACTGGACAGAACCACCTCAATGCAAAGGTAGAGTATTATATT-3'

ClinVar aggregate classification (germline): Uncertain significance (1 of 4 stars; one submission).

Submission:

Women's Health and Genetics/Laboratory Corporation of America, LabCorp
Classification: Uncertain significance. Last evaluated: 2025-12-03. Review status: criteria provided, single submitter. Criteria: LabCorp Variant Classification Summary - May 2015. Collection method: clinical testing. Allele origin: germline.
Comment: Variant summary: CFHR1 c.563dupT (p.Met189AspfsX27) results in a premature termination codon, predicted to cause a truncation of the encoded protein or absence of the protein due to nonsense mediated decay, however current evidence is not sufficient to establish loss of function as a mechanism for disease. The variant allele was found at a frequency of 3.9e-05 in 204216 control chromosomes in the gnomAD database, including 3 homozygotes. The available data on variant occurrences in the general population are insufficient to allow any conclusion about variant significance. To our knowledge, no occurrence of c.563dupT in individuals affected with CFHR1-related conditions and no experimental evidence demonstrating its impact on protein function have been reported. No submitters have cited clinical-significance assessments for this variant to ClinVar. Based on the evidence outlined above, the variant was classified as uncertain significance.